The following is an entry in ClinVar:

NM_020442.6(VARS2):c.1443del (p.Phe481fs)

Gene: VARS2 (valyl-tRNA synthetase 2, mitochondrial; plus strand). Cytogenetic location: 6p21.33.
Variant type: Deletion.
Coding change: c.1443del on transcript NM_020442.6 (MANE Select); coding-DNA position 1443, one base deleted (T; older notation c.1443delT).
Protein change: p.Phe481fs; shifts the reading frame from phenylalanine 481.
Molecular consequence: frameshift variant.
Genome position (GRCh38, 1-based): chr6:30,920,713, T deleted; the last of 3 consecutive T bases (chr6:30,920,711-30,920,713); deleting any one gives the same sequence. VCF-style (leftmost placement, unchanged base first): chr6-30920710-GT-G. GRCh37 (hg19) VCF-style: chr6-30888487-GT-G.
Other names: c.1023del, p.Phe341fs (NM_001167733.3); c.1533del, p.Phe511fs (NM_001167734.2); c.1443delT (NM_020442.6); short protein forms F341fs, F481fs, F511fs.
Identifiers: ClinVar variation 4848726 (VCV004848726.1).

ClinVar aggregate classification (germline): Pathogenic (1 of 4 stars; one submission).

Conditions:
Combined oxidative phosphorylation defect type 20. Also called: Combined oxidative phosphorylation deficiency 20. Identifiers: Orphanet 420728, MedGen C4014660, MONDO:0014397, OMIM 615917.

Submission:

Women's Health and Genetics/Laboratory Corporation of America, LabCorp
Classification: Pathogenic for Combined oxidative phosphorylation defect type 20. Last evaluated: 2026-04-09. Review status: criteria provided, single submitter. Criteria: LabCorp Variant Classification Summary - May 2015. Collection method: clinical testing. Allele origin: germline.
Comment: Variant summary: VARS2 c.1443delT (p.Phe481LeufsX59) results in a premature termination codon, predicted to cause a truncation of the encoded protein or absence of the protein due to nonsense mediated decay, which are commonly known mechanisms for disease. The variant allele was found at a frequency of 2.6e-05 in 229764 control chromosomes. To our knowledge, no occurrence of c.1443delT in individuals affected with VARS2-related conditions and no experimental evidence demonstrating its impact on protein function have been reported. No submitters have cited clinical-significance assessments for this variant to ClinVar. Based on the evidence outlined above, the variant was classified as pathogenic.